The following is an entry in ClinVar:

NM_001130009.3(GEN1):c.704T>C (p.Leu235Pro)

Gene: GEN1 (GEN1 Holliday junction 5' flap endonuclease; plus strand). Cytogenetic location: 2p24.2.
Variant type: single nucleotide variant.
Coding change: c.704T>C on transcript NM_001130009.3 (MANE Select); coding-DNA position 704, T replaced by C.
Protein change: p.Leu235Pro; replaces leucine 235 with proline.
Molecular consequence: missense variant.
Genome position (GRCh38, 1-based): chr2:17,768,805, T>C. VCF-style: chr2-17768805-T-C. GRCh37 (hg19) VCF-style: chr2-17950072-T-C.
Other names: c.704T>C, p.Leu235Pro (NM_182625.5); short protein forms L235P.
Identifiers: ClinVar variation 4263027 (VCV004263027.1).

ClinVar aggregate classification (germline): Uncertain significance (1 of 4 stars; one submission).

Submission:

Ambry Genetics
Classification: Uncertain significance. Last evaluated: 2025-07-14. Review status: criteria provided, single submitter. Criteria: Ambry Variant Classification Scheme 2023. Collection method: clinical testing. Allele origin: germline.
Comment: The p.L235P variant (also known as c.704T>C), located in coding exon 5 of the GEN1 gene, results from a T to C substitution at nucleotide position 704. The leucine at codon 235 is replaced by proline, an amino acid with similar properties. This amino acid position is conserved. In addition, this alteration is predicted to be deleterious by in silico analysis. Based on the available evidence, the clinical significance of this variant remains unclear.